The following is an entry in ClinVar:

ClinVar aggregate classification (germline): Likely pathogenic (1 of 4 stars; one submission).

Conditions:
Renal carnitine transport defect (CDSP). Also called: Carnitine transporter deficiency; Carnitine Deficiency, Systemic; Primary carnitine deficiency; Systemic primary carnitine deficiency; CARNITINE DEFICIENCY, SYSTEMIC, DUE TO DEFECT IN RENAL REABSORPTION OF CARNITINE; CARNITINE TRANSPORTER, PLASMA-MEMBRANE, DEFICIENCY OF. Identifiers: Orphanet 158, MedGen C0342788, MONDO:0008919, OMIM 212140.

Allele frequency attached by ClinVar (database versions not stated): gnomAD exomes below 0.00001.
gnomAD v4.1: 1 of 1,614,100 alleles (0.000062%); highest among the groups gnomAD compares: Non-Finnish European, 0.000085%; no homozygotes.

Submission:

Labcorp Genetics (formerly Invitae), Labcorp
Classification: Likely pathogenic for Renal carnitine transport defect. Last evaluated: 2021-11-15. Review status: criteria provided, single submitter. Criteria: Invitae Variant Classification Sherloc (09022015). Collection method: clinical testing. Allele origin: germline.
Comment: In summary, the currently available evidence indicates that the variant is pathogenic, but additional data are needed to prove that conclusively. Therefore, this variant has been classified as Likely Pathogenic. This variant disrupts the p.Pro478 amino acid residue in SLC22A5. Other variant(s) that disrupt this residue have been determined to be pathogenic (PMID: 10072434, 10454528, 10559218, 28841266). This suggests that this residue is clinically significant, and that variants that disrupt this residue are likely to be disease-causing. Advanced modeling of protein sequence and biophysical properties (such as structural, functional, and spatial information, amino acid conservation, physicochemical variation, residue mobility, and thermodynamic stability) performed at Invitae indicates that this missense variant is expected to disrupt SLC22A5 protein function. This variant has not been reported in the literature in individuals affected with SLC22A5-related conditions. This variant is not present in population databases (gnomAD no frequency). This sequence change replaces proline, which is neutral and non-polar, with serine, which is neutral and polar, at codon 478 of the SLC22A5 protein (p.Pro478Ser).

Literature cited by the submitters: PubMed 10072434; PubMed 10454528; PubMed 10559218; PubMed 28841266.

NM_003060.4(SLC22A5):c.1432C>T (p.Pro478Ser)

Gene: SLC22A5 (solute carrier family 22 member 5; plus strand). Cytogenetic location: 5q31.1.
Variant type: single nucleotide variant.
Coding change: c.1432C>T on transcript NM_003060.4 (MANE Select); coding-DNA position 1432, C replaced by T.
Protein change: p.Pro478Ser; replaces proline 478 with serine.
Molecular consequence: missense variant.
Genome position (GRCh38, 1-based): chr5:132,392,597, C>T. VCF-style: chr5-132392597-C-T. GRCh37 (hg19) VCF-style: chr5-131728289-C-T.
Other names: c.1504C>T, p.Pro502Ser (NM_001308122.2); short protein forms P502S, P478S.
Identifiers: ClinVar variation 1518274 (VCV001518274.6), dbSNP rs2126791630, ClinGen allele CA360809304.